The following is an entry in ClinVar:

ClinVar aggregate classification (germline): Likely benign (1 of 4 stars; one submission).

Conditions:
Chondrodysplasia with joint dislocations, gPAPP type. Also called: GPAPP DEFICIENCY. Identifiers: Orphanet 280586, MedGen C3279757, MONDO:0013561, OMIM 614078.

Allele frequency attached by ClinVar (database versions not stated): 1000 Genomes Project 0.00439; 1000 Genomes Project 30x 0.00484; gnomAD 0.00486 and 0.00526; TOPMed 0.00551.

Submission:

Illumina Laboratory Services, Illumina
Classification: Likely benign for Chondrodysplasia with joint dislocations, gPAPP type. Last evaluated: 2018-01-13. Review status: criteria provided, single submitter. Criteria: ICSL Variant Classification Criteria 13 December 2019. Collection method: clinical testing. Allele origin: germline.
Comment: This variant was observed in the ICSL laboratory as part of a predisposition screen in an ostensibly healthy population. It had not been previously curated by ICSL or reported in the Human Gene Mutation Database (HGMD: prior to June 1st, 2018), and was therefore a candidate for classification through an automated scoring system. Utilizing variant allele frequency, disease prevalence and penetrance estimates, and inheritance mode, an automated score was calculated to assess if this variant is too frequent to cause the disease. Based on the score and internal cut-off values, a variant classified as likely benign is not then subjected to further curation. The score for this variant resulted in a classification of likely benign for this disease.

NM_017813.5(BPNT2):c.*5492G>A

Gene: BPNT2 (3'(2'), 5'-bisphosphate nucleotidase 2; minus strand). Cytogenetic location: 8q12.1.
Variant type: single nucleotide variant.
Coding change: c.*5492G>A on transcript NM_017813.5 (MANE Select); 5492 bases downstream of the stop codon, G replaced by A.
Molecular consequence: 3 prime UTR variant.
Genome position (GRCh38, 1-based): chr8:56,958,301, C>T on the plus strand (G>A on the coding strand, the complement: BPNT2 is on the minus strand). VCF-style: chr8-56958301-C-T. GRCh37 (hg19) VCF-style: chr8-57870860-C-T.
Identifiers: ClinVar variation 363328 (VCV000363328.5), dbSNP rs113019850, ClinGen allele CA10627997.
Genomic context (GRCh38, chr8:56,958,301, plus strand): 5'-AAGAGACTGGGCTATGTGCTGGGGGTGAGGTGGAAATACAAAAACACTAAGATGCAATCC[C>T]TCTCAAGAACTGTATAATCTAGTAAGAGCACATACAGAGATGGTGCTTGCAGGTAAAAAC-3'